The following is an entry in ClinVar:

NM_004360.5(CDH1):c.532-2A>C

Gene: CDH1 (cadherin 1; plus strand). Cytogenetic location: 16q22.1.
Variant type: single nucleotide variant.
Coding change: c.532-2A>C on transcript NM_004360.5 (MANE Select); the canonical splice acceptor site of the intron before coding-DNA position 532, A replaced by C.
Molecular consequence: splice acceptor variant.
Genome position (GRCh38, 1-based): chr16:68,808,691, A>C. VCF-style: chr16-68808691-A-C. GRCh37 (hg19) VCF-style: chr16-68842594-A-C.
Other names: c.-1084-2A>C (NM_001317185.2); c.-1288-2A>C (NM_001317186.2); c.532-2A>C (NM_001317184.2).
Identifiers: ClinVar variation 2583304 (VCV002583304.2), dbSNP rs2152130040, ClinGen allele CA396457830.

ClinVar aggregate classification (germline): Likely pathogenic (1 of 4 stars; one submission).

Conditions:
Hereditary diffuse gastric adenocarcinoma (HDGC). Also called: DIFFUSE GASTRIC AND LOBULAR BREAST CANCER SYNDROME. Identifiers: Orphanet 26106, MedGen C1708349, MONDO:0007648, OMIM 137215.

Submission:

Myriad Genetics, Inc.
Classification: Likely pathogenic for Hereditary diffuse gastric adenocarcinoma. Last evaluated: 2023-06-09. Review status: criteria provided, single submitter. Criteria: Myriad Autosomal Dominant, Autosomal Recessive and X-Linked Classification Criteria (2023). Collection method: clinical testing. Allele origin: unknown.
Comment: This variant is considered likely pathogenic. This variant occurs within a consensus splice junction and is predicted to result in abnormal mRNA splicing of either an out-of-frame exon or an in-frame exon necessary for protein stability and/or normal function.